The following is an entry in ClinVar:

ClinVar aggregate classification (germline): Uncertain significance. Review status: criteria provided, multiple submitters, no conflicts (2 of 4 stars). 2 submissions from 2 submitters: Uncertain significance (2). Last evaluated 2024-11-20.

gnomAD v4.1: 1 of 1,613,842 alleles (0.000062%); highest among the groups gnomAD compares: African/African-American, 0.0013%; no homozygotes.

Submissions (2):

GeneDx
Classification: Uncertain significance. Last evaluated: 2024-11-20. Review status: criteria provided, single submitter. Criteria: GeneDx Variant Classification Process June 2021. Collection method: clinical testing. Allele origin: germline. Affected: yes.
Comment: Not observed at significant frequency in large population cohorts (gnomAD); In silico analysis supports that this missense variant has a deleterious effect on protein structure/function; Has not been previously published as pathogenic or benign to our knowledge

Greenwood Genetic Center Diagnostic Laboratories, Greenwood Genetic Center
Classification: Uncertain significance. Last evaluated: 2024-10-27. Review status: criteria provided, single submitter. Criteria: ACMG Guidelines, 2015. Collection method: clinical testing. Allele origin: germline. Affected: yes.
Comment: PP3

NM_130837.3(OPA1):c.2063T>C (p.Ile688Thr)

Gene: OPA1 (OPA1 mitochondrial dynamin like GTPase; plus strand). Cytogenetic location: 3q29.
Variant type: single nucleotide variant.
Coding change: c.2063T>C on transcript NM_130837.3 (MANE Select); coding-DNA position 2063, T replaced by C.
Protein change: p.Ile688Thr; replaces isoleucine 688 with threonine.
Molecular consequence: missense variant.
Genome position (GRCh38, 1-based): chr3:193,654,912, T>C. VCF-style: chr3-193654912-T-C. GRCh37 (hg19) VCF-style: chr3-193372701-T-C.
Other names: c.1529T>C, p.Ile510Thr (NM_001354663.2); c.1526T>C, p.Ile509Thr (NM_001354664.2); c.1898T>C, p.Ile633Thr (NM_015560.3); c.1790T>C, p.Ile597Thr (NM_130831.3); c.1844T>C, p.Ile615Thr (NM_130832.3); c.1901T>C, p.Ile634Thr (NM_130833.3); c.1952T>C, p.Ile651Thr (NM_130834.3); c.1955T>C, p.Ile652Thr (NM_130835.3); and 1 more; short protein forms I509T, I510T, I597T, I615T, I633T, I634T, I651T, I652T.
Identifiers: ClinVar variation 3765732 (VCV003765732.2).